The following is an entry in ClinVar:

ClinVar aggregate classification (germline): Pathogenic (1 of 4 stars; one submission).

Conditions:
Alkaptonuria (AKU). Also called: Alkaptonuric ochronosis; HOMOGENTISIC ACID OXIDASE DEFICIENCY; Alcaptonuria; Homogentisic acidura. Identifiers: Orphanet 56, MedGen C0002066, MONDO:0008753, OMIM 203500.

Submission:

Labcorp Genetics (formerly Invitae), Labcorp
Classification: Pathogenic for Alkaptonuria. Last evaluated: 2025-10-04. Review status: criteria provided, single submitter. Criteria: Invitae Variant Classification Sherloc (09022015). Collection method: clinical testing. Allele origin: germline.
Comment: This sequence change creates a premature translational stop signal (p.Phe329Serfs*11) in the HGD gene. It is expected to result in an absent or disrupted protein product. Loss-of-function variants in HGD are known to be pathogenic (PMID: 12501223, 19862842). This variant is not present in population databases (gnomAD no frequency). This variant has not been reported in the literature in individuals affected with HGD-related conditions. For these reasons, this variant has been classified as Pathogenic.

Literature cited by the submitters: PubMed 12501223; PubMed 19862842.

NM_000187.4(HGD):c.986del (p.Phe329fs)

Gene: HGD (homogentisate 1,2-dioxygenase; minus strand). Cytogenetic location: 3q13.33.
Variant type: Deletion.
Coding change: c.986del on transcript NM_000187.4 (MANE Select); coding-DNA position 986, one base deleted (T; older notation c.986delT).
Protein change: p.Phe329fs; shifts the reading frame from phenylalanine 329.
Molecular consequence: frameshift variant.
Genome position (GRCh38, 1-based): chr3:120,638,475, A deleted on the plus strand (T on the coding strand, the reverse complement: HGD is on the minus strand); the first of 2 consecutive A bases (chr3:120,638,475-120,638,476); deleting either gives the same sequence. VCF-style (leftmost placement, unchanged base first): chr3-120638474-GA-G. GRCh37 (hg19) VCF-style: chr3-120357321-GA-G.
Other names: short protein forms F329fs.
Identifiers: ClinVar variation 4728437 (VCV004728437.1).